The following is an entry in ClinVar:

ClinVar aggregate classification (germline): Uncertain significance (1 of 4 stars; one submission).

Allele frequency attached by ClinVar (database versions not stated): gnomAD exomes below 0.00001; ExAC 0.00001.
gnomAD v4.1: 2 of 1,613,750 alleles (0.00012%); highest among the groups gnomAD compares: Non-Finnish European, 0.00017%; no homozygotes.

Submission:

GeneDx
Classification: Uncertain significance. Last evaluated: 2022-01-11. Review status: criteria provided, single submitter. Criteria: GeneDx Variant Classification Process June 2021. Collection method: clinical testing. Allele origin: germline. Affected: yes.
Comment: Not observed at significant frequency in large population cohorts (gnomAD); In silico analysis supports that this missense variant has a deleterious effect on protein structure/function; Has not been previously published as pathogenic or benign to our knowledge

NM_001020658.2(PUM1):c.3469A>G (p.Thr1157Ala)

Gene: PUM1 (pumilio RNA binding family member 1; minus strand). Cytogenetic location: 1p35.2.
Variant type: single nucleotide variant.
Coding change: c.3469A>G on transcript NM_001020658.2 (MANE Select); coding-DNA position 3469, A replaced by G.
Protein change: p.Thr1157Ala; replaces threonine 1157 with alanine.
Molecular consequence: missense variant.
Genome position (GRCh38, 1-based): chr1:30,933,309, T>C on the plus strand (A>G on the coding strand, the complement: PUM1 is on the minus strand). VCF-style: chr1-30933309-T-C. GRCh37 (hg19) VCF-style: chr1-31406156-T-C.
Other names: c.3463A>G, p.Thr1155Ala (NM_014676.3); short protein forms T1155A, T1157A.
Identifiers: ClinVar variation 1698298 (VCV001698298.2), dbSNP rs774335546, ClinGen allele CA728672.
Genomic context (GRCh38, chr1:30,933,309, plus strand): 5'-AGTCAACACCGTTCTTCATGTAGTACTTCTCCAGCTTGGCCAGAATGTGCTTGCCATAGG[T>C]GTACTTACGAAGAGTTGCGATGTGGGGCCGGATCTGGGGAGGAAAGACAGTCTGTGTTAC-3'
Protein context (NP_001018494.1, residues 1147-1167): RPHIATLRKY[Thr1157Ala]YGKHILAKLE